The following is an entry in ClinVar:

NM_017780.4(CHD7):c.6273G>A (p.Trp2091Ter)

Gene: CHD7 (chromodomain helicase DNA binding protein 7; plus strand). Cytogenetic location: 8q12.2.
Variant type: single nucleotide variant.
Coding change: c.6273G>A on transcript NM_017780.4 (MANE Select); coding-DNA position 6273, G replaced by A.
Protein change: p.Trp2091Ter; replaces tryptophan 2091 with a stop codon.
Molecular consequence: nonsense. On other transcripts: intron variant (1).
Genome position (GRCh38, 1-based): chr8:60,852,998, G>A. VCF-style: chr8-60852998-G-A. GRCh37 (hg19) VCF-style: chr8-61765557-G-A.
Other names: c.1717-9231G>A (NM_001316690.1); short protein forms W2091*.
Identifiers: ClinVar variation 2502548 (VCV002502548.1), dbSNP rs2150809927, ClinGen allele CA371324627.
Genomic context (GRCh38, chr8:60,852,998, plus strand): 5'-CCCCCAGCTGGGAGAGAGGCTTAAGCTCTGCCAGCCAAGCTTGGATCTGCCAGAGTGGTG[G>A]GAGTGTGGACGGCATGACCGAGACTTGCTGGTTGGTGCTGCTAAACACGGGGTCAGTCGG-3'

ClinVar aggregate classification (germline): Pathogenic (1 of 4 stars; one submission).

Submission:

GeneDx
Classification: Pathogenic. Last evaluated: 2023-05-22. Review status: criteria provided, single submitter. Criteria: GeneDx Variant Classification Process June 2021. Collection method: clinical testing. Allele origin: germline. Affected: yes.
Comment: Nonsense variant predicted to result in protein truncation or nonsense mediated decay in a gene for which loss of function is a known mechanism of disease; Not observed at significant frequency in large population cohorts (gnomAD); Has not been previously published as pathogenic or benign to our knowledge